The following is an entry in ClinVar:

NM_033004.4(NLRP1):c.3727C>T (p.Pro1243Ser)

Gene: NLRP1 (NLR family pyrin domain containing 1; minus strand). Cytogenetic location: 17p13.2.
Variant type: single nucleotide variant.
Coding change: c.3727C>T on transcript NM_033004.4 (MANE Select); coding-DNA position 3727, C replaced by T.
Protein change: p.Pro1243Ser; replaces proline 1243 with serine.
Molecular consequence: missense variant.
Genome position (GRCh38, 1-based): chr17:5,521,580, G>A on the plus strand (C>T on the coding strand, the complement: NLRP1 is on the minus strand). VCF-style: chr17-5521580-G-A. GRCh37 (hg19) VCF-style: chr17-5424900-G-A.
Other names: c.3739C>T, p.Pro1247Ser (NM_001033053.3); c.3727C>T, p.Pro1243Ser (NM_014922.5); c.3637C>T, p.Pro1213Ser (NM_033006.4, NM_033007.4); short protein forms P1243S, P1213S, P1247S.
Identifiers: ClinVar variation 3012166 (VCV003012166.3), dbSNP rs766692973, ClinGen allele CA8326759.

ClinVar aggregate classification (germline): Uncertain significance (1 of 4 stars; one submission).

Allele frequency attached by ClinVar (database versions not stated): ExAC 0.00001; gnomAD exomes 0.00001; TOPMed 0.00001.
gnomAD v4.1: 3 of 1,614,136 alleles (0.00019%); highest among the groups gnomAD compares: Admixed American, 0.005%; no homozygotes.

Submission:

Labcorp Genetics (formerly Invitae), Labcorp
Classification: Uncertain significance. Last evaluated: 2023-02-22. Review status: criteria provided, single submitter. Criteria: Invitae Variant Classification Sherloc (09022015). Collection method: clinical testing. Allele origin: germline.
Comment: This sequence change replaces proline, which is neutral and non-polar, with serine, which is neutral and polar, at codon 1243 of the NLRP1 protein (p.Pro1243Ser). This variant is present in population databases (rs766692973, gnomAD 0.009%). This variant has not been reported in the literature in individuals affected with NLRP1-related conditions. Algorithms developed to predict the effect of missense changes on protein structure and function output the following: SIFT: "Not Available"; PolyPhen-2: "Benign"; Align-GVGD: "Not Available". The serine amino acid residue is found in multiple mammalian species, which suggests that this missense change does not adversely affect protein function. In summary, the available evidence is currently insufficient to determine the role of this variant in disease. Therefore, it has been classified as a Variant of Uncertain Significance.